The following is an entry in ClinVar:

NM_007194.4(CHEK2):c.1123T>C (p.Leu375=)

Gene: CHEK2 (checkpoint kinase 2; minus strand). Cytogenetic location: 22q12.1.
Variant type: single nucleotide variant.
Coding change: c.1123T>C on transcript NM_007194.4 (MANE Select); coding-DNA position 1123, T replaced by C.
Protein change: p.Leu375=; no amino-acid change (leucine 375 retained).
Molecular consequence: synonymous variant.
Genome position (GRCh38, 1-based): chr22:28,695,846, A>G on the plus strand (T>C on the coding strand, the complement: CHEK2 is on the minus strand). VCF-style: chr22-28695846-A-G. GRCh37 (hg19) VCF-style: chr22-29091834-A-G.
Other names: c.1252T>C, p.Leu418= (NM_001005735.3); c.460T>C, p.Leu154= (NM_001257387.3); c.922T>C, p.Leu308= (NM_001349956.3); c.1036T>C, p.Leu346= (NM_145862.3).
Identifiers: ClinVar variation 918735 (VCV000918735.6), dbSNP rs2052563996, ClinGen allele CA513944943.
Genomic context (GRCh38, chr22:28,695,846, plus strand): 5'-CTTCAGGCGCCAAGTAGGTGGGGGTTCCACATAAGGTTCTCATGAGAGAGGTCTCTCCCA[A>G]AATCTTGGAGTGCCCAAAATCAGTAATCTAAAATTCAGTACAAAAGGGAATAATGTTGAA-3'
Protein context (NP_009125.1, residues 365-385): KITDFGHSKI[Leu375=]GETSLMRTLC

ClinVar aggregate classification (germline): Benign/Likely benign. Review status: criteria provided, multiple submitters, no conflicts (2 of 4 stars). 4 submissions from 4 submitters: Benign (1); Likely benign (3). Last evaluated 2025-12-04.

Conditions:
Familial cancer of breast. Also called: BREAST CANCER, FAMILIAL; Hereditary breast cancer; hereditary breast carcinoma. Identifiers: Orphanet 227535, MedGen C0346153, MONDO:0016419, OMIM 114480. Disease mechanism: loss of function.
Hereditary cancer-predisposing syndrome. Also called: Neoplastic Syndromes, Hereditary; Tumor predisposition; Hereditary Cancer Syndrome; Hereditary neoplastic syndrome. Identifiers: Orphanet 140162, MedGen C0027672, MeSH D009386, MONDO:0015356.

Submissions (4):

Labcorp Genetics (formerly Invitae), Labcorp
Classification: Likely benign for Familial cancer of breast. Last evaluated: 2025-12-04. Review status: criteria provided, single submitter. Criteria: Invitae Variant Classification Sherloc (09022015). Collection method: clinical testing. Allele origin: germline.

Ambry Genetics
Classification: Likely benign for Hereditary cancer-predisposing syndrome. Last evaluated: 2025-02-15. Review status: criteria provided, single submitter. Criteria: Ambry Variant Classification Scheme 2023. Collection method: clinical testing. Allele origin: germline.

Myriad Genetics, Inc.
Classification: Benign for Familial cancer of breast. Last evaluated: 2024-10-04. Review status: criteria provided, single submitter. Criteria: Myriad Autosomal Dominant, Autosomal Recessive and X-Linked Classification Criteria (2023). Collection method: clinical testing. Allele origin: unknown.
Comment: This variant is considered benign. This variant is a silent/synonymous amino acid change and it is not expected to impact splicing.

Color Diagnostics, LLC DBA Color Health
Classification: Likely benign for Hereditary cancer-predisposing syndrome. Last evaluated: 2020-01-06. Review status: criteria provided, single submitter. Criteria: ACMG Guidelines, 2015. Collection method: clinical testing. Allele origin: germline.